The following is an entry in ClinVar:

NM_001110556.2(FLNA):c.2281-196T>C

Gene: FLNA (filamin A; minus strand). Cytogenetic location: Xq28.
Variant type: single nucleotide variant.
Coding change: c.2281-196T>C on transcript NM_001110556.2 (MANE Select); 196 bases into the intron before coding-DNA position 2281, T replaced by C.
Molecular consequence: intron variant.
Genome position (GRCh38, 1-based): chrX:154,362,980, A>G on the plus strand (T>C on the coding strand, the complement: FLNA is on the minus strand). VCF-style: chrX-154362980-A-G. GRCh37 (hg19) VCF-style: chrX-153591348-A-G.
Other names: c.2281-196T>C (NM_001456.4).
Identifiers: ClinVar variation 675255 (VCV000675255.2), dbSNP rs7888047, ClinGen allele CA337281936.

ClinVar aggregate classification (germline): Benign. Review status: criteria provided, multiple submitters, no conflicts (2 of 4 stars). 2 submissions from 2 submitters: Benign (2). Last evaluated 2018-06-16.

Allele frequency attached by ClinVar (database versions not stated): gnomAD 0.09834 and 0.10482; 1000 Genomes Project 0.10914; 1000 Genomes Project 30x 0.11197; TOPMed 0.11374.
gnomAD v4.1: 10,943 of 112,247 alleles (9.7%); highest among the groups gnomAD compares: African/African-American, 34%; 1,332 homozygotes.

Submissions (2):

GeneDx
Classification: Benign. Last evaluated: 2018-06-16. Review status: criteria provided, single submitter. Criteria: GeneDx Variant Classification (06012015). Collection method: clinical testing. Allele origin: germline. Affected: yes.
Comment: This variant is considered likely benign or benign based on one or more of the following criteria: it is a conservative change, it occurs at a poorly conserved position in the protein, it is predicted to be benign by multiple in silico algorithms, and/or has population frequency not consistent with disease.

Breakthrough Genomics
Classification: Benign. Review status: criteria provided, single submitter. Criteria: ACMG Guidelines, 2015. Collection method: not provided. Allele origin: germline. Inheritance: X-linked inheritance. Affected: yes.